The following is an entry in ClinVar:

ClinVar aggregate classification (germline): Uncertain significance (1 of 4 stars; one submission).

Conditions:
Tuberous sclerosis 2 (TSC2). Identifiers: Orphanet 805, MedGen C1860707, MONDO:0013199, OMIM 613254.

gnomAD v4.1: 1 of 1,612,502 alleles (0.000062%); highest among the groups gnomAD compares: South Asian, 0.0011%; no homozygotes.

Submission:

Labcorp Genetics (formerly Invitae), Labcorp
Classification: Uncertain significance for Tuberous sclerosis 2. Last evaluated: 2019-06-06. Review status: criteria provided, single submitter. Criteria: Invitae Variant Classification Sherloc (09022015). Collection method: clinical testing. Allele origin: germline.
Comment: In summary, the available evidence is currently insufficient to determine the role of this variant in disease. Therefore, it has been classified as a Variant of Uncertain Significance. Algorithms developed to predict the effect of missense changes on protein structure and function are either unavailable or do not agree on the potential impact of this missense change (SIFT: "Tolerated"; PolyPhen-2: "Possibly Damaging"; Align-GVGD: "Class C0"). This variant has not been reported in the literature in individuals with TSC2-related conditions. This variant is not present in population databases (ExAC no frequency). This sequence change replaces histidine with proline at codon 435 of the TSC2 protein (p.His435Pro). The histidine residue is moderately conserved and there is a moderate physicochemical difference between histidine and proline.

NM_000548.5(TSC2):c.1304A>C (p.His435Pro)

Gene: TSC2 (TSC complex subunit 2; plus strand). Cytogenetic location: 16p13.3.
Variant type: single nucleotide variant.
Coding change: c.1304A>C on transcript NM_000548.5 (MANE Select); coding-DNA position 1304, A replaced by C.
Protein change: p.His435Pro; replaces histidine 435 with proline.
Molecular consequence: missense variant.
Genome position (GRCh38, 1-based): chr16:2,062,543, A>C. VCF-style: chr16-2062543-A-C. GRCh37 (hg19) VCF-style: chr16-2112544-A-C.
Other names: c.1304A>C, p.His435Pro (NM_001077183.3, NM_001114382.3, NM_001363528.2 and 3 more transcripts); c.1193A>C, p.His398Pro (NM_001318827.2); c.1157A>C, p.His386Pro (NM_001318829.2); c.704A>C, p.His235Pro (NM_001318831.2); c.1337A>C, p.His446Pro (NM_001318832.2); short protein forms H398P, H235P, H446P, H386P, H435P.
Identifiers: ClinVar variation 940907 (VCV000940907.9), dbSNP rs1555501389, ClinGen allele CA394322181.
Genomic context (GRCh38, chr16:2,062,543, plus strand): 5'-TCTTCTTTTGACAGGAGTCCTCCCTCCTGAACCTGATCTCCTATAGAGCGCAGTCCATCC[A>C]CCCGGCCAAGGACGGCTGGATTCAGAACCTGCAGGCGCTGATGGAGAGATTCTTCAGGTA-3'
Protein context (NP_000539.2, residues 425-445): NLISYRAQSI[His435Pro]PAKDGWIQNL